The following is an entry in ClinVar:

ClinVar aggregate classification (germline): Likely pathogenic (1 of 4 stars; one submission).

Submission:

Mayo Clinic Laboratories, Mayo Clinic
Classification: Likely pathogenic. Last evaluated: 2023-11-16. Review status: criteria provided, single submitter. Criteria: ACMG Guidelines, 2015. Collection method: clinical testing. Allele origin: germline. Observed: 1 variant allele.
Comment: PM2_moderate, PVS1

NM_015378.4(VPS13D):c.3315del (p.Gln1106fs)

Gene: VPS13D (vacuolar protein sorting 13 homolog D; plus strand). Cytogenetic location: 1p36.22.
Variant type: Deletion.
Coding change: c.3315del on transcript NM_015378.4 (MANE Select); coding-DNA position 3315, one base deleted (A; older notation c.3315delA).
Protein change: p.Gln1106fs; shifts the reading frame from glutamine 1106.
Molecular consequence: frameshift variant.
Genome position (GRCh38, 1-based): chr1:12,276,903, A deleted. VCF-style (leftmost placement, unchanged base first): chr1-12276902-TA-T. GRCh37 (hg19) VCF-style: chr1-12336959-TA-T.
Other names: p.Gln1106Argfs*2; c.3315del, p.Gln1106fs (NM_018156.4); short protein forms Q1106fs.
Identifiers: ClinVar variation 3380965 (VCV003380965.1).
Genomic context (GRCh38, chr1:12,276,902, plus strand): 5'-AGTTTGTGAGTTCAGAGTGCCCATCGATGAATTTAGACAGTACTCTTCAGGTGATTTCCC[TA>T]CAGGTGAATAATTTAGATATTATCCTCAATCCAGAGACGATTGTGGAGCTAATTGGTTTT-3'